The following is an entry in ClinVar:

ClinVar aggregate classification (germline): Uncertain significance (1 of 4 stars; one submission).

Conditions:
Hereditary cancer-predisposing syndrome. Also called: Neoplastic Syndromes, Hereditary; Tumor predisposition; Hereditary Cancer Syndrome; Hereditary neoplastic syndrome. Identifiers: Orphanet 140162, MedGen C0027672, MeSH D009386, MONDO:0015356.

Allele frequency attached by ClinVar (database versions not stated): gnomAD exomes below 0.00001; ExAC 0.00001; TOPMed 0.00002.
gnomAD v4.1: 2 of 1,614,132 alleles (0.00012%); highest among the groups gnomAD compares: Non-Finnish European, 0.00017%; no homozygotes.

Submission:

Ambry Genetics
Classification: Uncertain significance for Hereditary cancer-predisposing syndrome. Last evaluated: 2018-03-09. Review status: criteria provided, single submitter. Criteria: Ambry Variant Classification Scheme 2023. Collection method: clinical testing. Allele origin: germline.
Comment: The p.A528V variant (also known as c.1583C>T), located in coding exon 14 of the MRE11A gene, results from a C to T substitution at nucleotide position 1583. The alanine at codon 528 is replaced by valine, an amino acid with similar properties. This amino acid position is highly conserved in available vertebrate species. In addition, the in silico prediction for this alteration is inconclusive. Since supporting evidence is limited at this time, the clinical significance of this alteration remains unclear.

NM_005591.4(MRE11):c.1583C>T (p.Ala528Val)

Gene: MRE11 (MRE11 double strand break repair nuclease; minus strand). Cytogenetic location: 11q21.
Variant type: single nucleotide variant.
Coding change: c.1583C>T on transcript NM_005591.4 (MANE Select); coding-DNA position 1583, C replaced by T.
Protein change: p.Ala528Val; replaces alanine 528 with valine.
Molecular consequence: missense variant.
Genome position (GRCh38, 1-based): chr11:94,447,419, G>A on the plus strand (C>T on the coding strand, the complement: MRE11 is on the minus strand). VCF-style: chr11-94447419-G-A. GRCh37 (hg19) VCF-style: chr11-94180585-G-A.
Other names: c.1583C>T, p.Ala528Val (NM_001330347.2, NM_005590.4); short protein forms A528V.
Identifiers: ClinVar variation 1800370 (VCV001800370.2), dbSNP rs772372085, ClinGen allele CA6235023.